The following is an entry in ClinVar:

NM_152713.5(STT3A):c.704G>A (p.Arg235Gln)

Gene: STT3A (STT3 oligosaccharyltransferase complex catalytic subunit A; plus strand). Cytogenetic location: 11q24.2.
Variant type: single nucleotide variant.
Coding change: c.704G>A on transcript NM_152713.5 (MANE Select); coding-DNA position 704, G replaced by A.
Protein change: p.Arg235Gln; replaces arginine 235 with glutamine.
Molecular consequence: missense variant.
Genome position (GRCh38, 1-based): chr11:125,606,389, G>A. VCF-style: chr11-125606389-G-A. GRCh37 (hg19) VCF-style: chr11-125476284-G-A.
Other names: c.704G>A, p.Arg235Gln (NM_001278503.2); c.428G>A, p.Arg143Gln (NM_001278504.2); short protein forms R143Q, R235Q.
Identifiers: ClinVar variation 4879318 (VCV004879318.1).

ClinVar aggregate classification (germline): Uncertain significance (1 of 4 stars; one submission).

Conditions:
STT3A-congenital disorder of glycosylation. Also called: CONGENITAL DISORDER OF GLYCOSYLATION, TYPE Iw, AUTOSOMAL RECESSIVE; STT3A-CDG; Congenital disorder of glycosylation type 1w. Identifiers: Orphanet 370921, MedGen C5561935, MONDO:0014270, OMIM 615596.

gnomAD v4.1: 11 of 1,614,106 alleles (0.00068%); highest among the groups gnomAD compares: Admixed American, 0.013%; no homozygotes.

Submission:

Clinical Genomics Laboratory, Washington University in St. Louis
Classification: Uncertain significance for STT3A-congenital disorder of glycosylation. Last evaluated: 2025-11-17. Review status: criteria provided, single submitter. Criteria: ACMG Guidelines, 2015. Collection method: clinical testing. Allele origin: germline.
Comment: The STT3A c.704G>A (p.Arg235Gln) variant, to our knowledge, has not been reported in the medical literature. This variant is only observed in 5/251,472 alleles in the general population (gnomAD v.2.1.1), indicating it is not a common variant. Computational predictors are uncertain regarding its impact on STT3A protein function. However, splicing prediction tools suggest that the variant may create a novel acceptor site located 2 base pairs downstream, providing evidence that it could affect STT3A function. Due to limited information, and based on ACMG/AMP guidelines for variant interpretation (Richards S et al., PMID: 25741868), the clinical significance of this variant is uncertain at this time.